The following is an entry in ClinVar:

ClinVar aggregate classification (germline): Likely benign. Review status: criteria provided, multiple submitters, no conflicts (2 of 4 stars). 2 submissions from 2 submitters: Likely benign (2). Last evaluated 2026-07-07.

Conditions:
Rhabdoid tumor predisposition syndrome 2 (RTPS2). Identifiers: Orphanet 231108, Orphanet 69077, MedGen C2750074, MONDO:0013224, OMIM 613325.

Submissions (2):

Myriad Genetics, Inc.
Classification: Likely benign for Rhabdoid tumor predisposition syndrome 2. Last evaluated: 2026-07-07. Review status: criteria provided, single submitter. Criteria: Myriad Autosomal Dominant, Autosomal Recessive and X-Linked Classification Criteria (2023). Collection method: clinical testing. Allele origin: unknown.
Comment: This variant is considered likely benign. This variant is intronic and is not expected to impact mRNA splicing.

Labcorp Genetics (formerly Invitae), Labcorp
Classification: Likely benign for Rhabdoid tumor predisposition syndrome 2. Last evaluated: 2022-10-02. Review status: criteria provided, single submitter. Criteria: Invitae Variant Classification Sherloc (09022015). Collection method: clinical testing. Allele origin: germline.

NM_003072.5(SMARCA4):c.2439-9T>C

Gene: SMARCA4 (SWI/SNF related BAF chromatin remodeling complex subunit ATPase 4; plus strand). Cytogenetic location: 19p13.2.
Variant type: single nucleotide variant.
Coding change: c.2439-9T>C on transcript NM_003072.5 (MANE Select); 9 bases into the intron before coding-DNA position 2439, T replaced by C.
Molecular consequence: intron variant.
Genome position (GRCh38, 1-based): chr19:11,018,948, T>C. VCF-style: chr19-11018948-T-C. GRCh37 (hg19) VCF-style: chr19-11129624-T-C.
Other names: c.2439-9T>C (NM_001128844.3, NM_001128849.3, NM_001128847.4 and 5 more transcripts).
Identifiers: ClinVar variation 2033786 (VCV002033786.5), dbSNP rs2146358865, ClinGen allele CA2580096301.
Genomic context (GRCh38, chr19:11,018,948, plus strand): 5'-GCTATGGGTTTGCACAGTGAGCCATTGATGAGAGACCGGCACTTGACTCTCATTTCCTTG[T>C]TCCATCAGAACGCTGTCCAACTGGGCGTACGAGTTTGACAAGTGGGCCCCCTCCGTGGTG-3'